The following is an entry in ClinVar:

ClinVar aggregate classification (germline): Pathogenic (1 of 4 stars; one submission).

Submission:

Labcorp Genetics (formerly Invitae), Labcorp
Classification: Pathogenic. Last evaluated: 2024-11-30. Review status: criteria provided, single submitter. Criteria: Invitae Variant Classification Sherloc (09022015). Collection method: clinical testing. Allele origin: germline.
Comment: This sequence change creates a premature translational stop signal (p.Ser5144Alafs*14) in the USH2A gene. It is expected to result in an absent or disrupted protein product. Loss-of-function variants in USH2A are known to be pathogenic (PMID: 10729113, 10909849, 20507924, 25649381). This variant is not present in population databases (gnomAD no frequency). This variant has not been reported in the literature in individuals affected with USH2A-related conditions. For these reasons, this variant has been classified as Pathogenic.

Literature cited by the submitters: PubMed 10729113; PubMed 10909849; PubMed 20507924; PubMed 25649381.

NM_206933.4(USH2A):c.15429del (p.Ser5144fs)

Gene: USH2A (usherin; minus strand). Cytogenetic location: 1q41.
Variant type: Deletion.
Coding change: c.15429del on transcript NM_206933.4 (MANE Select); coding-DNA position 15429, one base deleted (C; older notation c.15429delC).
Protein change: p.Ser5144fs; shifts the reading frame from serine 5144.
Molecular consequence: frameshift variant.
Genome position (GRCh38, 1-based): chr1:215,628,904, G deleted on the plus strand (C on the coding strand, the reverse complement: USH2A is on the minus strand). VCF-style (leftmost placement, unchanged base first): chr1-215628903-TG-T. GRCh37 (hg19) VCF-style: chr1-215802245-TG-T.
Other names: short protein forms S5144fs.
Identifiers: ClinVar variation 3685140 (VCV003685140.2).
Genomic context (GRCh38, chr1:215,628,903, plus strand): 5'-CCCACAGTGAGTTGTCCATCAAGACTTTCTTGTCTTGAATGTCCATGAGCTGGCTGACGC[TG>T]CGGTGAAGAGAACCCTGGGAGTAGGTTAGGCTGGTTTGGTTTTGACTCGGGATGCGCAGG-3'